The following is an entry in ClinVar:

NM_004360.5(CDH1):c.209C>A (p.Ser70Tyr)

Gene: CDH1 (cadherin 1; plus strand). Cytogenetic location: 16q22.1.
Variant type: single nucleotide variant.
Coding change: c.209C>A on transcript NM_004360.5 (MANE Select); coding-DNA position 209, C replaced by A.
Protein change: p.Ser70Tyr; replaces serine 70 with tyrosine.
Molecular consequence: missense variant. On other transcripts: 5 prime UTR variant (2).
Genome position (GRCh38, 1-based): chr16:68,801,715, C>A. VCF-style: chr16-68801715-C-A. GRCh37 (hg19) VCF-style: chr16-68835618-C-A.
Other names: c.209C>A, p.Ser70Tyr (NM_001317184.2); c.-1407C>A (NM_001317185.2); c.-1611C>A (NM_001317186.2); short protein forms S70Y.
Identifiers: ClinVar variation 2041923 (VCV002041923.4), dbSNP rs1960507183, ClinGen allele CA396457166.
Genomic context (GRCh38, chr16:68,801,715, plus strand): 5'-ATTTCTGCCCTGCAGTGAATTTTGAAGATTGCACCGGTCGACAAAGGACAGCCTATTTTT[C>A]CCTCGACACCCGATTCAAAGTGGGCACAGATGGTGTGATTACAGTCAAAAGGCCTCTACG-3'
Protein context (NP_004351.1, residues 60-80): CTGRQRTAYF[Ser70Tyr]LDTRFKVGTD

ClinVar aggregate classification (germline): Uncertain significance (1 of 4 stars; one submission).

Conditions:
Hereditary diffuse gastric adenocarcinoma (HDGC). Also called: DIFFUSE GASTRIC AND LOBULAR BREAST CANCER SYNDROME. Identifiers: Orphanet 26106, MedGen C1708349, MONDO:0007648, OMIM 137215.

Allele frequency attached by ClinVar (database versions not stated): TOPMed below 0.00001; gnomAD 0.00001.
gnomAD v4.1: 1 of 1,614,034 alleles (0.000062%); highest among the groups gnomAD compares: Non-Finnish European, 0.000085%; no homozygotes.

Submission:

Labcorp Genetics (formerly Invitae), Labcorp
Classification: Uncertain significance for Hereditary diffuse gastric adenocarcinoma. Last evaluated: 2021-12-13. Review status: criteria provided, single submitter. Criteria: Invitae Variant Classification Sherloc (09022015). Collection method: clinical testing. Allele origin: germline.
Comment: This sequence change replaces serine, which is neutral and polar, with tyrosine, which is neutral and polar, at codon 70 of the CDH1 protein (p.Ser70Tyr). This variant is not present in population databases (gnomAD no frequency). This variant has not been reported in the literature in individuals affected with CDH1-related conditions. Algorithms developed to predict the effect of missense changes on protein structure and function are either unavailable or do not agree on the potential impact of this missense change (SIFT: "Deleterious"; PolyPhen-2: "Possibly Damaging"; Align-GVGD: "Class C15"). In summary, the available evidence is currently insufficient to determine the role of this variant in disease. Therefore, it has been classified as a Variant of Uncertain Significance.